The following is an entry in ClinVar:

NM_001297.5(CNGB1):c.*1G>C

Gene: CNGB1 (cyclic nucleotide gated channel subunit beta 1; minus strand). Cytogenetic location: 16q21.
Variant type: single nucleotide variant.
Coding change: c.*1G>C on transcript NM_001297.5 (MANE Select); 1 bases downstream of the stop codon, G replaced by C.
Molecular consequence: 3 prime UTR variant.
Genome position (GRCh38, 1-based): chr16:57,884,163, C>G on the plus strand (G>C on the coding strand, the complement: CNGB1 is on the minus strand). VCF-style: chr16-57884163-C-G. GRCh37 (hg19) VCF-style: chr16-57918067-C-G.
Other names: c.*1G>C (NM_001286130.2).
Identifiers: ClinVar variation 4986333 (VCV004986333.1).

ClinVar aggregate classification (germline): Likely benign (1 of 4 stars; one submission).

Conditions:
CNGB1-related disorder. Also called: CNGB1-related condition.

gnomAD v4.1: 49 of 1,614,028 alleles (0.003%); highest among the groups gnomAD compares: Middle Eastern, 0.099%; no homozygotes.

Submission:

PreventionGenetics, part of Exact Sciences
Classification: Likely benign for CNGB1-related condition. Last evaluated: 2025-10-15. Review status: criteria provided, single submitter. Criteria: ACMG Guidelines, 2015. Collection method: clinical testing. Allele origin: germline.
Comment: This variant is classified as likely benign based on ACMG/AMP sequence variant interpretation guidelines (Richards et al. 2015 PMID: 25741868, with internal and published modifications).